The following is an entry in ClinVar:

NM_001145026.2(PTPRQ):c.6725T>C (p.Met2242Thr)

Gene: PTPRQ (protein tyrosine phosphatase receptor type Q; plus strand). Cytogenetic location: 12q21.31.
Variant type: single nucleotide variant.
Coding change: c.6725T>C on transcript NM_001145026.2 (MANE Select); coding-DNA position 6725, T replaced by C.
Protein change: p.Met2242Thr; replaces methionine 2242 with threonine.
Molecular consequence: missense variant.
Genome position (GRCh38, 1-based): chr12:80,673,291, T>C. VCF-style: chr12-80673291-T-C. GRCh37 (hg19) VCF-style: chr12-81067070-T-C.
Other names: short protein forms M2242T.
Identifiers: ClinVar variation 3900477 (VCV003900477.1).

ClinVar aggregate classification (germline): Uncertain significance (1 of 4 stars; one submission).

Submission:

GeneDx
Classification: Uncertain significance. Last evaluated: 2024-11-26. Review status: criteria provided, single submitter. Criteria: GeneDx Variant Classification Process June 2021. Collection method: clinical testing. Allele origin: germline. Affected: yes.
Comment: Not observed at significant frequency in large population cohorts (gnomAD); In silico analysis supports that this missense variant has a deleterious effect on protein structure/function; Has not been previously published as pathogenic or benign to our knowledge